The following is an entry in ClinVar:

ClinVar aggregate classification (germline): Uncertain significance (1 of 4 stars; one submission).

Submission:

GeneDx
Classification: Uncertain significance. Last evaluated: 2025-05-13. Review status: criteria provided, single submitter. Criteria: GeneDx Variant Classification Process June 2021. Collection method: clinical testing. Allele origin: germline. Affected: yes.
Comment: Not observed at significant frequency in large population cohorts (gnomAD); In-frame deletion of 31 amino acid(s) in a non-repeat region; In silico analysis supports a deleterious effect on protein structure/function; Has not been previously published as pathogenic or benign to our knowledge

NM_000834.5(GRIN2B):c.2658_2750del (p.Thr888_Pro918del)

Gene: GRIN2B (glutamate ionotropic receptor NMDA type subunit 2B; minus strand). Cytogenetic location: 12p13.1.
Variant type: Deletion.
Coding change: c.2658_2750del on transcript NM_000834.5 (MANE Select); coding-DNA positions 2658 to 2750, 93 bases deleted.
Protein change: p.Thr888_Pro918del.
Molecular consequence: inframe deletion.
Genome position (GRCh38, 1-based): chr12:13,564,488-13,564,580, 93 bases deleted. GRCh37 (hg19): chr12:13,717,425-13,717,517.
Other names: c.2658_2750del, p.Thr888_Pro918del (NM_001413992.1).
Identifiers: ClinVar variation 4529827 (VCV004529827.1).